The following is an entry in ClinVar:

ClinVar aggregate classification (germline): Benign/Likely benign. Review status: criteria provided, multiple submitters, no conflicts (2 of 4 stars). 2 submissions from 2 submitters: Benign (1); Likely benign (1). Last evaluated 2024-02-23.

Conditions:
Familial adenomatous polyposis 1 (FAP1). Also called: FAMILIAL ADENOMATOUS POLYPOSIS 1, ATTENUATED; POLYPOSIS, ADENOMATOUS INTESTINAL. Identifiers: MedGen C2713442, MONDO:0021056, OMIM 175100. Disease mechanism: loss of function.

Submissions (2):

Myriad Genetics, Inc.
Classification: Benign for Familial adenomatous polyposis 1. Last evaluated: 2024-02-23. Review status: criteria provided, single submitter. Criteria: Myriad Autosomal Dominant, Autosomal Recessive and X-Linked Classification Criteria (2023). Collection method: clinical testing. Allele origin: unknown.
Comment: This variant is considered benign. This variant is a silent/synonymous amino acid change and it is not expected to impact splicing.

Labcorp Genetics (formerly Invitae), Labcorp
Classification: Likely benign for Familial adenomatous polyposis 1. Last evaluated: 2022-02-24. Review status: criteria provided, single submitter. Criteria: Invitae Variant Classification Sherloc (09022015). Collection method: clinical testing. Allele origin: germline.

NM_000038.6(APC):c.474T>C (p.Tyr158=)

Gene: APC (APC regulator of Wnt signaling pathway; plus strand). Cytogenetic location: 5q22.2.
Variant type: single nucleotide variant.
Coding change: c.474T>C on transcript NM_000038.6 (MANE Select); coding-DNA position 474, T replaced by C.
Protein change: p.Tyr158=; no amino-acid change (tyrosine 158 retained).
Molecular consequence: synonymous variant. On other transcripts: 5 prime UTR variant (1).
Genome position (GRCh38, 1-based): chr5:112,775,680, T>C. VCF-style: chr5-112775680-T-C. GRCh37 (hg19) VCF-style: chr5-112111377-T-C.
Other names: c.474T>C, p.Tyr158= (NM_001127510.3, NM_001354895.2, NM_001354896.2 and 2 more transcripts); c.504T>C, p.Tyr168= (NM_001127511.3, NM_001354897.2, NM_001354902.2); c.399T>C, p.Tyr133= (NM_001354898.2, NM_001354904.2); c.297T>C, p.Tyr99= (NM_001354900.2, NM_001354901.2, NM_001354905.2); c.-562T>C (NM_001354906.2).
Identifiers: ClinVar variation 416759 (VCV000416759.11), dbSNP rs1060504891, ClinGen allele CA16611641.
Genomic context (GRCh38, chr5:112,775,680, plus strand): 5'-AAAAAATAGGTCATTGCTTCTTGCTGATCTTGACAAAGAAGAAAAGGAAAAAGACTGGTA[T>C]TACGCTCAACTTCAGAATCTCACTAAAAGAATAGATAGTCTTCCTTTAACTGAAAATGTA-3'
Protein context (NP_000029.2, residues 148-168): LDKEEKEKDW[Tyr158=]YAQLQNLTKR